The following is an entry in ClinVar:

ClinVar aggregate classification (germline): Uncertain significance. Review status: criteria provided, multiple submitters, no conflicts (2 of 4 stars). 3 submissions from 3 submitters: Uncertain significance (3). Last evaluated 2025-05-29.

Conditions:
Deafness-lymphedema-leukemia syndrome. Also called: Lymphedema, primary, with myelodysplasia; Emberger syndrome. Identifiers: Orphanet 3226, MedGen C3279664, MONDO:0013540, OMIM 614038.
Monocytopenia with susceptibility to infections. Also called: MONOCYTOPENIA AND MYCOBACTERIAL INFECTION SYNDROME; MONOCYTOPENIA WITH SUSCEPTIBILITY TO MYCOBACTERIAL, FUNGAL, AND PAPILLOMAVIRUS INFECTIONS AND MYELODYSPLASIA; COMBINED IMMUNODEFICIENCY WITH SUSCEPTIBILITY TO MYCOBACTERIAL, VIRAL, AND FUNGAL INFECTIONS; Dendritic cell, monocyte, B lymphocyte, and natural killer lymphocyte deficiency; IMMUNODEFICIENCY 21; GATA2 DEFICIENCY. Identifiers: Orphanet 228423, MedGen C3280030, MONDO:0013607, OMIM 614172.
Acute myeloid leukemia (AML). Also called: Leukemia, acute myeloid, somatic; Leukemia, acute myelogenous, somatic; Acute myeloid leukemia, adult; AML adult; Acute non-lymphocytic leukemia; Acute granulocytic leukemia. Identifiers: Orphanet 519, MedGen C0023467, MeSH D015470, MONDO:0018874, OMIM 601626, HP:0004808. Disease mechanism: Constitutively activated FLT3.
Inborn genetic diseases. Identifiers: MedGen C0950123, MeSH D030342.

gnomAD v4.1: 3 of 1,613,902 alleles (0.00019%); highest among the groups gnomAD compares: Middle Eastern, 0.017%; no homozygotes.

Submissions (3):

Ambry Genetics
Classification: Uncertain significance for Inborn genetic diseases. Last evaluated: 2025-05-29. Review status: criteria provided, single submitter. Criteria: Ambry Variant Classification Scheme 2023. Collection method: clinical testing. Allele origin: germline.
Comment: The p.T347I variant (also known as c.1040C>T), located in coding exon 4 of the GATA2 gene, results from a C to T substitution at nucleotide position 1040. The threonine at codon 347 is replaced by isoleucine, an amino acid with similar properties. This alteration was detected in a cohort of 45 Lebanese breast cancer patients undergoing whole exome sequencing (Jalkh N et al. BMC Med Genomics, 2017 Feb;10:8). This amino acid position is highly conserved in available vertebrate species. In addition, this alteration is predicted to be deleterious by in silico analysis. Based on the available evidence, the clinical significance of this variant remains unclear.

Baylor Genetics
Classification: Uncertain significance for Acute myeloid leukemia. Last evaluated: 2024-02-21. Review status: criteria provided, single submitter. Criteria: ACMG Guidelines, 2015. Collection method: clinical testing. Allele origin: unknown.

Labcorp Genetics (formerly Invitae), Labcorp
Classification: Uncertain significance for Monocytopenia with susceptibility to infections; Deafness-lymphedema-leukemia syndrome. Last evaluated: 2023-12-08. Review status: criteria provided, single submitter. Criteria: Invitae Variant Classification Sherloc (09022015). Collection method: clinical testing. Allele origin: germline.
Comment: This sequence change replaces threonine, which is neutral and polar, with isoleucine, which is neutral and non-polar, at codon 347 of the GATA2 protein (p.Thr347Ile). This variant is not present in population databases (gnomAD no frequency). This variant has not been reported in the literature in individuals affected with GATA2-related conditions. ClinVar contains an entry for this variant (Variation ID: 1058258). Advanced modeling of protein sequence and biophysical properties (such as structural, functional, and spatial information, amino acid conservation, physicochemical variation, residue mobility, and thermodynamic stability) has been performed at Invitae for this missense variant, however the output from this modeling did not meet the statistical confidence thresholds required to predict the impact of this variant on GATA2 protein function. In summary, the available evidence is currently insufficient to determine the role of this variant in disease. Therefore, it has been classified as a Variant of Uncertain Significance.

Literature cited by the submitters: PubMed 28202063 (cited by Ambry Genetics).

NM_032638.5(GATA2):c.1040C>T (p.Thr347Ile)

Gene: GATA2 (GATA binding protein 2; minus strand). Cytogenetic location: 3q21.3.
Variant type: single nucleotide variant.
Coding change: c.1040C>T on transcript NM_032638.5 (MANE Select); coding-DNA position 1040, C replaced by T.
Protein change: p.Thr347Ile; replaces threonine 347 with isoleucine.
Molecular consequence: missense variant. On other transcripts: intron variant (1).
Genome position (GRCh38, 1-based): chr3:128,481,922, G>A on the plus strand (C>T on the coding strand, the complement: GATA2 is on the minus strand). VCF-style: chr3-128481922-G-A. GRCh37 (hg19) VCF-style: chr3-128200765-G-A.
Other names: c.1040C>T, p.Thr347Ile (NM_001145661.2); c.1018-20C>T (NM_001145662.1); c.1040C>T (NM_032638.4); short protein forms T347I.
Identifiers: ClinVar variation 1058258 (VCV001058258.11), dbSNP rs2107668761, ClinGen allele CA354413668.